The following is an entry in ClinVar:

NM_053025.4(MYLK):c.3112A>G (p.Met1038Val)

Gene: MYLK (myosin light chain kinase; minus strand). Cytogenetic location: 3q21.1.
Variant type: single nucleotide variant.
Coding change: c.3112A>G on transcript NM_053025.4 (MANE Select); coding-DNA position 3112, A replaced by G.
Protein change: p.Met1038Val; replaces methionine 1038 with valine.
Molecular consequence: missense variant.
Genome position (GRCh38, 1-based): chr3:123,700,356, T>C on the plus strand (A>G on the coding strand, the complement: MYLK is on the minus strand). VCF-style: chr3-123700356-T-C. GRCh37 (hg19) VCF-style: chr3-123419203-T-C.
Other names: c.2584A>G, p.Met862Val (NM_001321309.2); c.2905A>G, p.Met969Val (NM_053026.4, NM_053028.4); c.3112A>G, p.Met1038Val (NM_053027.4); short protein forms M1038V, M862V, M969V.
Identifiers: ClinVar variation 567190 (VCV000567190.15), dbSNP rs763247566, ClinGen allele CA069355.

ClinVar aggregate classification (germline): Conflicting classifications of pathogenicity. Review status: criteria provided, conflicting classifications (1 of 4 stars). 4 submissions from 4 submitters: Uncertain significance (2); Likely benign (2). Last evaluated 2025-12-17.

Conditions:
Familial thoracic aortic aneurysm and aortic dissection (TAAD). Also called: Thoracic aortic aneurysms and dissections. Identifiers: Orphanet 91387, MedGen C4707243, MONDO:0019625.
Aortic aneurysm, familial thoracic 7 (AAT7). Also called: AORTIC DISSECTION, FAMILIAL, WITH OR WITHOUT AORTIC ANEURYSM. Identifiers: MedGen C3151077, MONDO:0013418, OMIM 613780.

Allele frequency attached by ClinVar (database versions not stated): gnomAD exomes 0.00002 and 0.00004; ExAC 0.00005; gnomAD 0.00011 and 0.00012; TOPMed 0.00020.

Submissions (4):

Labcorp Genetics (formerly Invitae), Labcorp
Classification: Uncertain significance for Aortic aneurysm, familial thoracic 7. Last evaluated: 2025-12-17. Review status: criteria provided, single submitter. Criteria: Invitae Variant Classification Sherloc (09022015). Collection method: clinical testing. Allele origin: germline.
Comment: This sequence change replaces methionine, which is neutral and non-polar, with valine, which is neutral and non-polar, at codon 1038 of the MYLK protein (p.Met1038Val). This variant is present in population databases (rs763247566, gnomAD 0.04%). This missense change has been observed in individual(s) with clinical features of MYLK-related conditions (PMID: 36703223). ClinVar contains an entry for this variant (Variation ID: 567190). Invitae Evidence Modeling of protein sequence and biophysical properties (such as structural, functional, and spatial information, amino acid conservation, physicochemical variation, residue mobility, and thermodynamic stability) indicates that this missense variant is not expected to disrupt MYLK protein function with a negative predictive value of 80%. In summary, the available evidence is currently insufficient to determine the role of this variant in disease. Therefore, it has been classified as a Variant of Uncertain Significance.

Ambry Genetics
Classification: Likely benign for Familial thoracic aortic aneurysm and aortic dissection. Last evaluated: 2023-01-26. Review status: criteria provided, single submitter. Criteria: Ambry Variant Classification Scheme 2023. Collection method: clinical testing. Allele origin: germline.

Dubai Health Genomic Medicine Center, Dubai Health
Classification: Uncertain significance. Last evaluated: 2022-12-17. Review status: criteria provided, single submitter. Criteria: ACMG Guidelines, 2015. Collection method: clinical testing. Allele origin: germline. Affected: yes.

GeneDx
Classification: Likely benign. Last evaluated: 2019-04-05. Review status: criteria provided, single submitter. Criteria: GeneDx Variant Classification Process June 2021. Collection method: clinical testing. Allele origin: germline. Affected: yes.
Comment: In silico analysis, which includes protein predictors and evolutionary conservation, supports that this variant does not alter protein structure/function; Reported in ClinVar but additional evidence is not available (ClinVar Variant ID# 567190; Landrum et al., 2016)

Literature cited by the submitters: PubMed 36703223 (cited by Labcorp Genetics (formerly Invitae), Labcorp).